The following is an entry in ClinVar:

ClinVar aggregate classification (germline): Uncertain significance (1 of 4 stars; one submission).

Allele frequency attached by ClinVar (database versions not stated): gnomAD exomes below 0.00001.
gnomAD v4.1: 1 of 1,614,166 alleles (0.000062%); highest among the groups gnomAD compares: Non-Finnish European, 0.000085%; no homozygotes.

Submission:

Labcorp Genetics (formerly Invitae), Labcorp
Classification: Uncertain significance. Last evaluated: 2022-08-26. Review status: criteria provided, single submitter. Criteria: Invitae Variant Classification Sherloc (09022015). Collection method: clinical testing. Allele origin: germline.
Comment: In summary, the available evidence is currently insufficient to determine the role of this variant in disease. Therefore, it has been classified as a Variant of Uncertain Significance. Algorithms developed to predict the effect of missense changes on protein structure and function are either unavailable or do not agree on the potential impact of this missense change (SIFT: "Tolerated"; PolyPhen-2: "Possibly Damaging"; Align-GVGD: "Class C0"). This sequence change replaces glycine, which is neutral and non-polar, with aspartic acid, which is acidic and polar, at codon 222 of the RUSC2 protein (p.Gly222Asp). This variant is not present in population databases (gnomAD no frequency). This variant has not been reported in the literature in individuals affected with RUSC2-related conditions.

NM_014806.5(RUSC2):c.665G>A (p.Gly222Asp)

Gene: RUSC2 (RUN and SH3 domain containing 2; plus strand). Cytogenetic location: 9p13.3.
Variant type: single nucleotide variant.
Coding change: c.665G>A on transcript NM_014806.5 (MANE Select); coding-DNA position 665, G replaced by A.
Protein change: p.Gly222Asp; replaces glycine 222 with aspartic acid.
Molecular consequence: missense variant. On other transcripts: non-coding transcript variant (1), intron variant (1).
Genome position (GRCh38, 1-based): chr9:35,547,186, G>A. VCF-style: chr9-35547186-G-A. GRCh37 (hg19) VCF-style: chr9-35547183-G-A.
Other names: c.665G>A, p.Gly222Asp (NM_001135999.2); c.-620-7874G>A (NM_001330740.2); short protein forms G222D.
Identifiers: ClinVar variation 1953094 (VCV001953094.5), dbSNP rs2490381045, ClinGen allele CA373328313.